The following is an entry in ClinVar:

ClinVar aggregate classification (germline): Likely benign. Review status: criteria provided, multiple submitters, no conflicts (2 of 4 stars). 3 submissions from 3 submitters: Likely benign (3). Last evaluated 2026-09-01.

Allele frequency attached by ClinVar (database versions not stated): ExAC 0.00250; gnomAD exomes 0.00285.
gnomAD v4.1: 2,916 of 1,236,270 alleles (0.24%); highest among the groups gnomAD compares: Non-Finnish European, 0.25%; 3 homozygotes.

Submissions (3):

CeGaT Center for Human Genetics Tuebingen
Classification: Likely benign. Last evaluated: 2026-09-01. Review status: criteria provided, single submitter. Criteria: CeGaT Center For Human Genetics Tuebingen Variant Classification Criteria Version 2. Collection method: clinical testing. Allele origin: germline. Affected: yes. Observed: 14 variant alleles.
Comment: FBXO11: BP4, BP7, BS1

Labcorp Genetics (formerly Invitae), Labcorp
Classification: Likely benign. Last evaluated: 2026-01-22. Review status: criteria provided, single submitter. Criteria: Invitae Variant Classification Sherloc (09022015). Collection method: clinical testing. Allele origin: germline.

Blueprint Genetics
Classification: Likely benign. Last evaluated: 2024-11-17. Review status: criteria provided, single submitter. Criteria: ACMG Guidelines, 2015. Collection method: clinical testing. Allele origin: germline.

NM_001190274.2(FBXO11):c.186G>A (p.Pro62=)

Gene: FBXO11 (F-box protein 11; minus strand). Cytogenetic location: 2p16.3.
Variant type: single nucleotide variant.
Coding change: c.186G>A on transcript NM_001190274.2 (MANE Select); coding-DNA position 186, G replaced by A.
Protein change: p.Pro62=; no amino-acid change (proline 62 retained).
Molecular consequence: synonymous variant.
Genome position (GRCh38, 1-based): chr2:47,905,535, C>T on the plus strand (G>A on the coding strand, the complement: FBXO11 is on the minus strand). VCF-style: chr2-47905535-C-T. GRCh37 (hg19) VCF-style: chr2-48132674-C-T.
Identifiers: ClinVar variation 1111505 (VCV001111505.33), dbSNP rs770922020, ClinGen allele CA1650234.
Genomic context (GRCh38, chr2:47,905,535, plus strand): 5'-TAGCGCGGCCTTACCCCGCTCGCCGACGTTGTTCCGCTCCTGAGGCAGCGGCGGAGGCGG[C>T]GGTGGCGGCGGCGGAGGCTGCTGCTGCTGCTGCTGCTGCGGCGGCGGCGGAGGCTGCTGC-3'
Protein context (NP_001177203.1, residues 52-72): QQQQQPPPPP[Pro62=]PPPPLPQERN